The following is an entry in ClinVar:

ClinVar aggregate classification (germline): Uncertain significance (1 of 4 stars; one submission).

Submission:

Labcorp Genetics (formerly Invitae), Labcorp
Classification: Uncertain significance. Last evaluated: 2024-03-19. Review status: criteria provided, single submitter. Criteria: Invitae Variant Classification Sherloc (09022015). Collection method: clinical testing. Allele origin: germline.
Comment: This sequence change replaces glutamic acid, which is acidic and polar, with glycine, which is neutral and non-polar, at codon 22 of the SOX11 protein (p.Glu22Gly). This variant is not present in population databases (gnomAD no frequency). This variant has not been reported in the literature in individuals affected with SOX11-related conditions. An algorithm developed to predict the effect of missense changes on protein structure and function (PolyPhen-2) suggests that this variant is likely to be tolerated. In summary, the available evidence is currently insufficient to determine the role of this variant in disease. Therefore, it has been classified as a Variant of Uncertain Significance.

NM_003108.4(SOX11):c.65A>G (p.Glu22Gly)

Gene: SOX11 (SRY-box transcription factor 11; plus strand). Cytogenetic location: 2p25.2.
Variant type: single nucleotide variant.
Coding change: c.65A>G on transcript NM_003108.4 (MANE Select); coding-DNA position 65, A replaced by G.
Protein change: p.Glu22Gly; replaces glutamic acid 22 with glycine.
Molecular consequence: missense variant.
Genome position (GRCh38, 1-based): chr2:5,692,786, A>G. VCF-style: chr2-5692786-A-G. GRCh37 (hg19) VCF-style: chr2-5832918-A-G.
Other names: short protein forms E22G.
Identifiers: ClinVar variation 3640468 (VCV003640468.2).